The following is an entry in ClinVar:

NM_052947.4(ALPK2):c.6491C>T (p.Thr2164Ile)

Gene: ALPK2 (alpha kinase 2; minus strand). Cytogenetic location: 18q21.31.
Variant type: single nucleotide variant.
Coding change: c.6491C>T on transcript NM_052947.4 (MANE Select); coding-DNA position 6491, C replaced by T.
Protein change: p.Thr2164Ile; replaces threonine 2164 with isoleucine.
Molecular consequence: missense variant.
Genome position (GRCh38, 1-based): chr18:58,481,845, G>A on the plus strand (C>T on the coding strand, the complement: ALPK2 is on the minus strand). VCF-style: chr18-58481845-G-A. GRCh37 (hg19) VCF-style: chr18-56149077-G-A.
Other names: short protein forms T2164I.
Identifiers: ClinVar variation 1753835 (VCV001753835.2), dbSNP rs2518842533, ClinGen allele CA402538180.

ClinVar aggregate classification (germline): Uncertain significance (1 of 4 stars; one submission).

Submission:

Ambry Genetics
Classification: Uncertain significance. Last evaluated: 2021-09-14. Review status: criteria provided, single submitter. Criteria: Ambry Variant Classification Scheme 2023. Collection method: clinical testing. Allele origin: germline.
Comment: The p.T2164I variant (also known as c.6491C>T), located in coding exon 12 of the ALPK2 gene, results from a C to T substitution at nucleotide position 6491. The threonine at codon 2164 is replaced by isoleucine, an amino acid with similar properties. This amino acid position is conserved. In addition, this alteration is predicted to be tolerated by in silico analysis. Since supporting evidence is limited at this time, the clinical significance of this alteration remains unclear.